The following is an entry in ClinVar:

NM_001135649.3(FOXI3):c.86C>A (p.Ala29Asp)

Gene: FOXI3 (forkhead box I3; minus strand). Cytogenetic location: 2p11.2.
Variant type: single nucleotide variant.
Coding change: c.86C>A on transcript NM_001135649.3 (MANE Select); coding-DNA position 86, C replaced by A.
Protein change: p.Ala29Asp; replaces alanine 29 with aspartic acid.
Molecular consequence: missense variant.
Genome position (GRCh38, 1-based): chr2:88,452,450, G>T on the plus strand (C>A on the coding strand, the complement: FOXI3 is on the minus strand). VCF-style: chr2-88452450-G-T. GRCh37 (hg19) VCF-style: chr2-88751968-G-T.
Other names: short protein forms A29D.
Identifiers: ClinVar variation 1964846 (VCV001964846.5), dbSNP rs1676070952, ClinGen allele CA347767084.
Genomic context (GRCh38, chr2:88,452,450, plus strand): 5'-GCGGCGGCCGGCGGCGCGGCGTAGTCGGCCAGCCCGTAAGGCGCCCTGGCTGCCGGGGGG[G>T]CGCCCGGGGCGGCGGCGGTGGCGGCGGGCGGGGGCAGGCCGGGCTGCGAATACACTCCGA-3'
Protein context (NP_001129121.1, residues 19-39): PPAATAAAPG[Ala29Asp]PPAARAPYGL

ClinVar aggregate classification (germline): Uncertain significance (1 of 4 stars; one submission).

gnomAD v4.1: 1 of 1,051,586 alleles (0.000095%); highest among the groups gnomAD compares: African/African-American, 0.0017%; no homozygotes.

Submission:

Labcorp Genetics (formerly Invitae), Labcorp
Classification: Uncertain significance. Last evaluated: 2022-08-30. Review status: criteria provided, single submitter. Criteria: Invitae Variant Classification Sherloc (09022015). Collection method: clinical testing. Allele origin: germline.
Comment: In summary, the available evidence is currently insufficient to determine the role of this variant in disease. Therefore, it has been classified as a Variant of Uncertain Significance. Experimental studies and prediction algorithms are not available or were not evaluated, and the functional significance of this variant is currently unknown. This sequence change replaces alanine, which is neutral and non-polar, with aspartic acid, which is acidic and polar, at codon 29 of the FOXI3 protein (p.Ala29Asp). The frequency data for this variant in the population databases is considered unreliable, as metrics indicate insufficient coverage at this position in the gnomAD database. This variant has not been reported in the literature in individuals affected with FOXI3-related conditions.